The following is an entry in ClinVar:

ClinVar aggregate classification (germline): Likely benign. Review status: criteria provided, multiple submitters, no conflicts (2 of 4 stars). 3 submissions from 3 submitters: Likely benign (3). Last evaluated 2025-09-01.

Allele frequency attached by ClinVar (database versions not stated): gnomAD exomes 0.00003 and 0.00013; TOPMed 0.00003; gnomAD 0.00005 and 0.00006; ExAC 0.00011.
gnomAD v4.1: 55 of 1,611,650 alleles (0.0034%); highest among the groups gnomAD compares: Admixed American, 0.047%; no homozygotes.

Submissions (3):

CeGaT Center for Human Genetics Tuebingen
Classification: Likely benign. Last evaluated: 2025-09-01. Review status: criteria provided, single submitter. Criteria: CeGaT Center For Human Genetics Tuebingen Variant Classification Criteria Version 2. Collection method: clinical testing. Allele origin: germline. Affected: yes. Observed: 1 variant allele.
Comment: ADAMTSL4: BP4, BP7

Labcorp Genetics (formerly Invitae), Labcorp
Classification: Likely benign. Last evaluated: 2025-03-10. Review status: criteria provided, single submitter. Criteria: Invitae Variant Classification Sherloc (09022015). Collection method: clinical testing. Allele origin: germline.

Blueprint Genetics
Classification: Likely benign. Last evaluated: 2024-03-18. Review status: criteria provided, single submitter. Criteria: ACMG Guidelines, 2015. Collection method: clinical testing. Allele origin: germline.

NM_019032.6(ADAMTSL4):c.1008C>T (p.Gly336=)

Genes: ADAMTSL4 (ADAMTS like 4; plus strand), ADAMTSL4-AS2 (ADAMTSL4 antisense RNA 2; minus strand). Cytogenetic location: 1q21.2.
Variant type: single nucleotide variant.
Coding change: c.1008C>T on transcript NM_019032.6 (MANE Select); coding-DNA position 1008, C replaced by T.
Protein change: p.Gly336=; no amino-acid change (glycine 336 retained).
Molecular consequence: synonymous variant.
Genome position (GRCh38, 1-based): chr1:150,553,999, C>T. VCF-style: chr1-150553999-C-T. GRCh37 (hg19) VCF-style: chr1-150526475-C-T.
Other names: c.1008C>T, p.Gly336= (NM_001288607.2, NM_001288608.2, NM_001378596.1 and 1 more transcripts).
Identifiers: ClinVar variation 1655989 (VCV001655989.16), dbSNP rs764778706, ClinGen allele CA1078098.